The following is an entry in ClinVar:

NM_001166108.2(PALLD):c.146C>T (p.Ala49Val)

Gene: PALLD (palladin, cytoskeletal associated protein; plus strand). Cytogenetic location: 4q32.3.
Variant type: single nucleotide variant.
Coding change: c.146C>T on transcript NM_001166108.2 (MANE Select); coding-DNA position 146, C replaced by T.
Protein change: p.Ala49Val; replaces alanine 49 with valine.
Molecular consequence: missense variant.
Genome position (GRCh38, 1-based): chr4:168,511,650, C>T. VCF-style: chr4-168511650-C-T. GRCh37 (hg19) VCF-style: chr4-169432801-C-T.
Other names: c.146C>T, p.Ala49Val (NM_016081.4); short protein forms A49V.
Identifiers: ClinVar variation 1773327 (VCV001773327.3), dbSNP rs1356106356, ClinGen allele CA358724773.

ClinVar aggregate classification (germline): Uncertain significance (1 of 4 stars; one submission).

Allele frequency attached by ClinVar (database versions not stated): gnomAD 0.00001; TOPMed 0.00001.
gnomAD v4.1: 7 of 1,614,038 alleles (0.00043%); highest among the groups gnomAD compares: Admixed American, 0.012%; no homozygotes.

Submission:

Ambry Genetics
Classification: Uncertain significance. Last evaluated: 2024-06-03. Review status: criteria provided, single submitter. Criteria: Ambry Variant Classification Scheme 2023. Collection method: clinical testing. Allele origin: germline.
Comment: The p.A49V variant (also known as c.146C>T), located in coding exon 1 of the PALLD gene, results from a C to T substitution at nucleotide position 146. The alanine at codon 49 is replaced by valine, an amino acid with similar properties. This amino acid position is conserved. In addition, the in silico prediction for this alteration is inconclusive. Since supporting evidence is limited at this time, the clinical significance of this alteration remains unclear.